The following is an entry in ClinVar:

NM_000447.3(PSEN2):c.1262C>T (p.Thr421Met)

Gene: PSEN2 (presenilin 2; plus strand). Cytogenetic location: 1q42.13.
Variant type: single nucleotide variant.
Coding change: c.1262C>T on transcript NM_000447.3 (MANE Select); coding-DNA position 1262, C replaced by T.
Protein change: p.Thr421Met; replaces threonine 421 with methionine.
Molecular consequence: missense variant.
Genome position (GRCh38, 1-based): chr1:226,895,494, C>T. VCF-style: chr1-226895494-C-T. GRCh37 (hg19) VCF-style: chr1-227083195-C-T.
Other names: c.1259C>T, p.Thr420Met (NM_012486.3); short protein forms T420M, T421M.
Identifiers: ClinVar variation 876473 (VCV000876473.8), dbSNP rs756609078, ClinGen allele CA1424858.
Genomic context (GRCh38, chr1:226,895,494, plus strand): 5'-TGACCCTCCTGCTGCTTGCTGTGTTCAAGAAGGCGCTGCCCGCCCTCCCCATCTCCATCA[C>T]GTTCGGGCTCATCTTTTACTTCTCCACGGACAACCTGGTGCGGCCGTTCATGGACACCCT-3'
Protein context (NP_000438.2, residues 411-431): KALPALPISI[Thr421Met]FGLIFYFSTD

ClinVar aggregate classification (germline): Uncertain significance. Review status: criteria provided, multiple submitters, no conflicts (2 of 4 stars). 3 submissions from 2 submitters: Uncertain significance (3). Last evaluated 2022-08-27.

Conditions:
Dilated cardiomyopathy 1V (CMD1V). Identifiers: Orphanet 154, MedGen C3150958, MONDO:0013373, OMIM 613697.
Alzheimer disease 4 (AD4). Identifiers: Orphanet 1020, MedGen C1847200, MONDO:0011743, OMIM 606889.

Allele frequency attached by ClinVar (database versions not stated): gnomAD 0.00001; TOPMed 0.00001; ExAC 0.00003; gnomAD exomes 0.00003.
gnomAD v4.1: 75 of 1,613,934 alleles (0.0046%); highest among the groups gnomAD compares: East Asian, 0.094%; no homozygotes.

Submissions (3):

Labcorp Genetics (formerly Invitae), Labcorp
Classification: Uncertain significance for Alzheimer disease 4. Last evaluated: 2022-08-27. Review status: criteria provided, single submitter. Criteria: Invitae Variant Classification Sherloc (09022015). Collection method: clinical testing. Allele origin: germline.
Comment: This variant is present in population databases (rs756609078, gnomAD 0.01%). This sequence change replaces threonine, which is neutral and polar, with methionine, which is neutral and non-polar, at codon 421 of the PSEN2 protein (p.Thr421Met). This missense change has been observed in individual(s) with early-onset Alzheimer’s disease (PMID: 24559647, 28191889, 32087291). ClinVar contains an entry for this variant (Variation ID: 876473). Algorithms developed to predict the effect of missense changes on protein structure and function are either unavailable or do not agree on the potential impact of this missense change (SIFT: "Tolerated"; PolyPhen-2: "Probably Damaging"; Align-GVGD: "Class C0"). Experimental studies have shown that this missense change affects PSEN2 function (PMID: 32087291). In summary, the available evidence is currently insufficient to determine the role of this variant in disease. Therefore, it has been classified as a Variant of Uncertain Significance.

Illumina Laboratory Services, Illumina
Classification: Uncertain significance for Alzheimer disease 4. Last evaluated: 2017-06-13. Review status: criteria provided, single submitter. Criteria: ICSL Variant Classification Criteria 13 December 2019. Collection method: clinical testing. Allele origin: germline.
Comment: This variant was observed as part of a predisposition screen in an ostensibly healthy population. A literature search was performed for the gene, cDNA change, and amino acid change (where applicable). Publications were found based on this search. However, the evidence from the literature, in combination with allele frequency data from public databases where available, was not sufficient to rule this variant in or out of causing disease. Therefore, this variant is classified as a variant of unknown significance.

Illumina Laboratory Services, Illumina
Classification: Uncertain significance for Dilated cardiomyopathy 1V. Last evaluated: 2017-06-13. Review status: criteria provided, single submitter. Criteria: ICSL Variant Classification Criteria 13 December 2019. Collection method: clinical testing. Allele origin: germline.
Comment: the same text as in the submission from Illumina Laboratory Services, Illumina above.

Literature cited by the submitters: PubMed 24559647 (cited by Labcorp Genetics (formerly Invitae), Labcorp and Illumina Laboratory Services, Illumina); PubMed 28191889 (cited by Labcorp Genetics (formerly Invitae), Labcorp); PubMed 32087291 (cited by Labcorp Genetics (formerly Invitae), Labcorp); PubMed 22834455 (cited by Illumina Laboratory Services, Illumina); PubMed 28008242 (cited by Illumina Laboratory Services, Illumina).